The following is an entry in ClinVar:

NM_003820.4(TNFRSF14):c.349G>A (p.Ala117Thr)

Gene: TNFRSF14 (TNF receptor superfamily member 14; plus strand). Cytogenetic location: 1p36.32.
Variant type: single nucleotide variant.
Coding change: c.349G>A on transcript NM_003820.4 (MANE Select); coding-DNA position 349, G replaced by A.
Protein change: p.Ala117Thr; replaces alanine 117 with threonine.
Molecular consequence: missense variant.
Genome position (GRCh38, 1-based): chr1:2,559,867, G>A. VCF-style: chr1-2559867-G-A. GRCh37 (hg19) VCF-style: chr1-2491306-G-A.
Other names: c.349G>A, p.Ala117Thr (NM_001297605.2); short protein forms A117T.
Identifiers: ClinVar variation 135353 (VCV000135353.1), dbSNP rs2234163, ClinGen allele CA162457.

ClinVar aggregate classification (germline): not provided (0 of 4 stars; one submission).

Allele frequency attached by ClinVar (database versions not stated): gnomAD exomes 0.00810 and 0.01074; gnomAD 0.01531 and 0.01540; ESP Exome Variant Server 0.01572; ExAC 0.01589; TOPMed 0.01646; 1000 Genomes Project 30x 0.02108; 1000 Genomes Project 0.02117.
gnomAD v4.1: 14,213 of 1,606,292 alleles (0.88%); highest among the groups gnomAD compares: African/African-American, 3.6%; 142 homozygotes.

Submission:

ITMI
No classification provided. Condition: AllHighlyPenetrant. Last evaluated: 2013-09-19. Review status: no classification provided. Collection method: reference population. Allele origin: germline.
Comment: Please see associated publication for description of ethnicities

Literature cited by the submitters: PubMed 24728327.